The following is an entry in ClinVar:

ClinVar aggregate classification (germline): Uncertain significance (1 of 4 stars; one submission).

Allele frequency attached by ClinVar (database versions not stated): ExAC 0.00007; gnomAD 0.00011; TOPMed 0.00014; ESP Exome Variant Server 0.00023.
gnomAD v4.1: 97 of 1,613,994 alleles (0.006%); highest among the groups gnomAD compares: African/African-American, 0.036%; no homozygotes.

Submission:

Labcorp Genetics (formerly Invitae), Labcorp
Classification: Uncertain significance. Last evaluated: 2024-09-04. Review status: criteria provided, single submitter. Criteria: Invitae Variant Classification Sherloc (09022015). Collection method: clinical testing. Allele origin: germline.
Comment: This sequence change replaces arginine, which is basic and polar, with tryptophan, which is neutral and slightly polar, at codon 623 of the AK7 protein (p.Arg623Trp). This variant is present in population databases (rs140857857, gnomAD 0.07%). This variant has not been reported in the literature in individuals affected with AK7-related conditions. Invitae Evidence Modeling of protein sequence and biophysical properties (such as structural, functional, and spatial information, amino acid conservation, physicochemical variation, residue mobility, and thermodynamic stability) indicates that this missense variant is not expected to disrupt AK7 protein function with a negative predictive value of 80%. In summary, the available evidence is currently insufficient to determine the role of this variant in disease. Therefore, it has been classified as a Variant of Uncertain Significance.

NM_152327.5(AK7):c.1867C>T (p.Arg623Trp)

Gene: AK7 (adenylate kinase 7; plus strand). Cytogenetic location: 14q32.2.
Variant type: single nucleotide variant.
Coding change: c.1867C>T on transcript NM_152327.5 (MANE Select); coding-DNA position 1867, C replaced by T.
Protein change: p.Arg623Trp; replaces arginine 623 with tryptophan.
Molecular consequence: missense variant.
Genome position (GRCh38, 1-based): chr14:96,483,112, C>T. VCF-style: chr14-96483112-C-T. GRCh37 (hg19) VCF-style: chr14-96949449-C-T.
Other names: c.1798C>T, p.Arg600Trp (NM_001350888.2, NM_001350890.2); c.1789C>T, p.Arg597Trp (NM_001350891.2); c.1669C>T, p.Arg557Trp (NM_001350892.2); short protein forms R557W, R597W, R600W, R623W.
Identifiers: ClinVar variation 2890344 (VCV002890344.2), dbSNP rs140857857, ClinGen allele CA7337985.
Genomic context (GRCh38, chr14:96,483,112, plus strand): 5'-AAAGAGATTGGGGAGCCTCGAAATTATGGTTTAACAGACGAAGAAAAGGCAGAAGAGGAG[C>T]GGAAGGCTGCGGAGGAGCGGCTGGCCAGGGAGGCTGCTGAGGAAGCAGAACGCGAGCACC-3'
Protein context (NP_689540.2, residues 613-633): LTDEEKAEEE[Arg623Trp]KAAEERLARE